The following is an entry in ClinVar:

NM_002692.4(POLE2):c.607A>T (p.Thr203Ser)

Gene: POLE2 (DNA polymerase epsilon 2, accessory subunit; minus strand). Cytogenetic location: 14q21.3.
Variant type: single nucleotide variant.
Coding change: c.607A>T on transcript NM_002692.4 (MANE Select); coding-DNA position 607, A replaced by T.
Protein change: p.Thr203Ser; replaces threonine 203 with serine.
Molecular consequence: missense variant.
Genome position (GRCh38, 1-based): chr14:49,665,133, T>A on the plus strand (A>T on the coding strand, the complement: POLE2 is on the minus strand). VCF-style: chr14-49665133-T-A. GRCh37 (hg19) VCF-style: chr14-50131851-T-A.
Other names: c.529A>T, p.Thr177Ser (NM_001197330.2); c.607A>T, p.Thr203Ser (NM_001197331.3, NM_001348384.2); c.376A>T, p.Thr126Ser (NM_001348385.2); short protein forms T126S, T177S, T203S.
Identifiers: ClinVar variation 3615941 (VCV003615941.2).
Genomic context (GRCh38, chr14:49,665,133, plus strand): 5'-CAGATTTTAAAAAATACAGACAAGTGAAGGATATAGCTTTACTAAGGTCTAGTTGGACTG[T>A]TCCAGTAGGATCTTCCAGAAAAAATTTTCCCTAAAAAAATGAAAATAAATAAATCCACAT-3'
Protein context (NP_002683.2, residues 193-213): GKFFLEDPTG[Thr203Ser]VQLDLSKAQF

ClinVar aggregate classification (germline): Uncertain significance (1 of 4 stars; one submission).

gnomAD v4.1: 1 of 1,413,122 alleles (0.000071%); highest among the groups gnomAD compares: Admixed American, 0.0017%; no homozygotes.

Submission:

Labcorp Genetics (formerly Invitae), Labcorp
Classification: Uncertain significance. Last evaluated: 2024-08-01. Review status: criteria provided, single submitter. Criteria: Invitae Variant Classification Sherloc (09022015). Collection method: clinical testing. Allele origin: germline.
Comment: This sequence change replaces threonine, which is neutral and polar, with serine, which is neutral and polar, at codon 203 of the POLE2 protein (p.Thr203Ser). The frequency data for this variant in the population databases is considered unreliable, as metrics indicate poor data quality at this position in the gnomAD database. This variant has not been reported in the literature in individuals affected with POLE2-related conditions. An algorithm developed to predict the effect of missense changes on protein structure and function (PolyPhen-2) suggests that this variant is likely to be tolerated. In summary, the available evidence is currently insufficient to determine the role of this variant in disease. Therefore, it has been classified as a Variant of Uncertain Significance.